The following is an entry in ClinVar:

ClinVar aggregate classification (germline): Uncertain significance (1 of 4 stars; one submission).

Conditions:
Dilated cardiomyopathy 1G (CMD1G). Identifiers: Orphanet 154, MedGen C1858763, MONDO:0011400, OMIM 604145.
Autosomal recessive limb-girdle muscular dystrophy type 2J (LGMDR10). Also called: Limb-girdle muscular dystrophy, type 2J; MUSCULAR DYSTROPHY, LIMB-GIRDLE, AUTOSOMAL RECESSIVE 10. Identifiers: Orphanet 140922, MedGen C1837342, MONDO:0012127, OMIM 608807.

Submission:

Labcorp Genetics (formerly Invitae), Labcorp
Classification: Uncertain significance for Dilated cardiomyopathy 1G; Autosomal recessive limb-girdle muscular dystrophy type 2J. Last evaluated: 2025-04-28. Review status: criteria provided, single submitter. Criteria: Invitae Variant Classification Sherloc (09022015). Collection method: clinical testing. Allele origin: germline.
Comment: This sequence change replaces proline, which is neutral and non-polar, with glutamine, which is neutral and polar, at codon 16655 of the TTN protein (p.Pro16655Gln). This variant is not present in population databases (gnomAD no frequency). This missense change has been observed in individual(s) with restrictive cardiomyopathy (PMID: 30269836). This variant is also known as c.C22769A (p.P7590Q). ClinVar contains an entry for this variant (Variation ID: 2151951). Experimental studies and prediction algorithms are not available or were not evaluated, and the functional significance of this variant is currently unknown. This variant is located in the A band of TTN (PMID: 25589632). Variants in this region may be relevant for cardiac or neuromuscular disorders (PMID: 25589632, 23975875). In summary, the available evidence is currently insufficient to determine the role of this variant in disease. Therefore, it has been classified as a Variant of Uncertain Significance.

Literature cited by the submitters: PubMed 30269836; PubMed 25589632; PubMed 23975875.

NM_001267550.2(TTN):c.49964C>A (p.Pro16655Gln)

Genes: TTN (titin; minus strand), TTN-AS1 (TTN antisense RNA 1; plus strand). Cytogenetic location: 2q31.2.
Variant type: single nucleotide variant.
Coding change: c.49964C>A on transcript NM_001267550.2 (MANE Select); coding-DNA position 49964, C replaced by A.
Protein change: p.Pro16655Gln; replaces proline 16655 with glutamine.
Molecular consequence: missense variant.
Genome position (GRCh38, 1-based): chr2:178,612,561, G>T on the plus strand (C>A on the coding strand, the complement: TTN is on the minus strand). VCF-style: chr2-178612561-G-T. GRCh37 (hg19) VCF-style: chr2-179477288-G-T.
Other names: c.45041C>A, p.Pro15014Gln (NM_001256850.1); c.22769C>A, p.Pro7590Gln (NM_003319.4); c.42260C>A, p.Pro14087Gln (NM_133378.4); c.23144C>A, p.Pro7715Gln (NM_133432.3); c.23345C>A, p.Pro7782Gln (NM_133437.4); short protein forms P15014Q, P7590Q, P14087Q, P16655Q, P7715Q, P7782Q.
Identifiers: ClinVar variation 2151951 (VCV002151951.4), dbSNP rs2470545279, ClinGen allele CA349600158.